The following is an entry in ClinVar:

NM_000302.4(PLOD1):c.1564dup (p.Glu522fs)

Gene: PLOD1 (procollagen-lysine,2-oxoglutarate 5-dioxygenase 1; plus strand). Cytogenetic location: 1p36.22.
Variant type: Duplication.
Coding change: c.1564dup on transcript NM_000302.4 (MANE Select); coding-DNA position 1564, one base duplicated (G; older notation c.1564dupG).
Protein change: p.Glu522fs; shifts the reading frame from glutamic acid 522.
Molecular consequence: frameshift variant.
Genome position (GRCh38, 1-based): chr1:11,965,573, G duplicated; the last of 3 consecutive G bases (chr1:11,965,571-11,965,573); duplicating any one gives the same sequence. VCF-style (leftmost placement, unchanged base first): chr1-11965570-T-TG. GRCh37 (hg19) VCF-style: chr1-12025627-T-TG.
Other names: c.1705dup, p.Glu569fs (NM_001316320.2); short protein forms E569fs, E522fs.
Identifiers: ClinVar variation 3639086 (VCV003639086.2).

ClinVar aggregate classification (germline): Pathogenic (1 of 4 stars; one submission).

Conditions:
Ehlers-Danlos syndrome, kyphoscoliotic type 1 (EDSKSCL1). Also called: Ehlers-Danlos syndrome, hydroxylysine-deficient; EHLERS-DANLOS SYNDROME, OCULAR-SCOLIOTIC TYPE; PLOD1-Related Kyphoscoliotic Ehlers-Danlos Syndrome; EHLERS-DANLOS SYNDROME, TYPE VIA. Identifiers: Orphanet 1900, MedGen C0268342, MONDO:0016002, OMIM 225400. Disease mechanism: loss of function.

Submission:

Labcorp Genetics (formerly Invitae), Labcorp
Classification: Pathogenic for Ehlers-Danlos syndrome, kyphoscoliotic type 1. Last evaluated: 2024-02-06. Review status: criteria provided, single submitter. Criteria: Invitae Variant Classification Sherloc (09022015). Collection method: clinical testing. Allele origin: germline.
Comment: This sequence change creates a premature translational stop signal (p.Glu522Glyfs*46) in the PLOD1 gene. It is expected to result in an absent or disrupted protein product. Loss-of-function variants in PLOD1 are known to be pathogenic (PMID: 10874315, 21699693). This variant is not present in population databases (gnomAD no frequency). This variant has not been reported in the literature in individuals affected with PLOD1-related conditions. For these reasons, this variant has been classified as Pathogenic.

Literature cited by the submitters: PubMed 10874315; PubMed 21699693.